The following is an entry in ClinVar:

NM_004360.5(CDH1):c.59G>A (p.Trp20Ter)

Gene: CDH1 (cadherin 1; plus strand). Cytogenetic location: 16q22.1.
Variant type: single nucleotide variant.
Coding change: c.59G>A on transcript NM_004360.5 (MANE Select); coding-DNA position 59, G replaced by A.
Protein change: p.Trp20Ter; replaces tryptophan 20 with a stop codon.
Molecular consequence: nonsense. On other transcripts: 5 prime UTR variant (2).
Genome position (GRCh38, 1-based): chr16:68,738,307, G>A. VCF-style: chr16-68738307-G-A. GRCh37 (hg19) VCF-style: chr16-68772210-G-A.
Other names: c.59G>A, p.Trp20Ter (NM_001317184.2, LRG_301t1); c.-1557G>A (NM_001317185.2); c.-1761G>A (NM_001317186.2); c.59G>A (NM_004360.4); short protein forms W20*.
Identifiers: ClinVar variation 12239 (VCV000012239.18), dbSNP rs121964875, ClinGen allele CA280996.

ClinVar aggregate classification (germline): Pathogenic. Review status: reviewed by expert panel (3 of 4 stars). 6 submissions from 6 submitters: Pathogenic (1). 5 of the submissions do not count toward it. Last evaluated 2023-08-29.

Conditions:
CDH1-related diffuse gastric and lobular breast cancer syndrome. Also called: CDH1-related diffuse gastric and lobular breast cancer. Identifiers: MedGen CN311521, MONDO:0100488.
Hereditary diffuse gastric adenocarcinoma (HDGC). Also called: DIFFUSE GASTRIC AND LOBULAR BREAST CANCER SYNDROME. Identifiers: Orphanet 26106, MedGen C1708349, MONDO:0007648, OMIM 137215.

gnomAD v4.1: 2 of 1,550,364 alleles (0.00013%); highest among the groups gnomAD compares: Non-Finnish European, 0.00017%; no homozygotes.

Submissions (6):

Clingen Gastric Cancer Variant Curation Expert Panel
Classification: Pathogenic for CDH1-related diffuse gastric and lobular breast cancer syndrome. Last evaluated: 2023-08-29. Review status: reviewed by expert panel. Criteria: ClinGen CDH1 ACMG Specifications V3.1. Collection method: curation. Allele origin: germline. Inheritance: Autosomal dominant inheritance.
Comment: The c.59G>A (p.Trp20*) variant is predicted to result in a premature stop codon in exon 2 that leads to a truncated or absent protein (PVS1, PM5_Supporting). This variant is absent in the gnomAD cohort (PM2_Supporting). This variant has been reported in at least two families meeting HDGC clinical criteria (PS4_Moderate; PMID: 10072428, 26182300). In summary, this variant meets criteria to be classified as pathogenic based on the ACMG/AMP criteria applied as specified by the CDH1 Variant Curation Expert Panel (Variant Interpretation Guidelines Version 3.1): PVS1, PM2_Supporting, PS4_Moderate, PM5_Supporting.

Genetics Laboratory, Great Ormond Street Hospital NHS Foundation Trust, North Thames Genomic Laboratory Hub
Classification: Pathogenic for Hereditary diffuse gastric cancer. Last evaluated: 2025-08-06. Review status: criteria provided, single submitter. Criteria: CanVIG CDH1 Gene Specific. Collection method: clinical testing. Allele origin: germline. Affected: yes. Not counted in ClinVar's aggregate classification.
Comment: PS4_moderate, PM2_supporting, PVS1_very-strong, PM5_supporting

Myriad Genetics, Inc.
Classification: Pathogenic for Hereditary diffuse gastric adenocarcinoma. Last evaluated: 2023-06-08. Review status: criteria provided, single submitter. Criteria: Myriad Autosomal Dominant, Autosomal Recessive and X-Linked Classification Criteria (2023). Collection method: clinical testing. Allele origin: unknown. Not counted in ClinVar's aggregate classification.
Comment: This variant is considered pathogenic. This variant creates a termination codon and is predicted to result in premature protein truncation.

European Reference Network on Genetic Tumour Risk Syndromes (ERN-GENTURIS), i3s - Instituto de Investigação e Inovação em Saúde, University of Porto
Classification: Pathogenic for Hereditary diffuse gastric adenocarcinoma. Last evaluated: 2022-08-01. Review status: criteria provided, single submitter. Criteria: Lee et al. (Hum Mutat. 2018). Collection method: clinical testing. Allele origin: germline. Inheritance: Autosomal dominant inheritance. Affected: yes. Study: ERN GENTURIS. Not counted in ClinVar's aggregate classification.
Comment: PVS1; PS4_Moderate; PM2 (PMID: 30311375)

Labcorp Genetics (formerly Invitae), Labcorp
Classification: Pathogenic for Hereditary diffuse gastric adenocarcinoma. Last evaluated: 2021-08-28. Review status: criteria provided, single submitter. Criteria: Invitae Variant Classification Sherloc (09022015). Collection method: clinical testing. Allele origin: germline. Not counted in ClinVar's aggregate classification.
Comment: This sequence change creates a premature translational stop signal (p.Trp20*) in the CDH1 gene. It is expected to result in an absent or disrupted protein product. This variant is not present in population databases (ExAC no frequency). This variant has been observed in several individuals affected with diffuse gastric cancer (PMID: 10072428, 28688938, 18788075). ClinVar contains an entry for this variant (Variation ID: 12239). Loss-of-function variants in CDH1 are known to be pathogenic (PMID: 15235021, 20373070). For these reasons, this variant has been classified as Pathogenic.

OMIM
Classification: Pathogenic for DIFFUSE GASTRIC AND LOBULAR BREAST CANCER SYNDROME. Last evaluated: 1999-04-01. Review status: no assertion criteria provided. Collection method: literature only. Allele origin: germline. Not counted in ClinVar's aggregate classification.

Literature cited by the submitters: PubMed 10094558 (cited by Clingen Gastric Cancer Variant Curation Expert Panel); PubMed 10072428 (cited by 3 submitters); PubMed 26182300 (cited by Clingen Gastric Cancer Variant Curation Expert Panel); PubMed 36436516 (cited by European Reference Network on Genetic Tumour Risk Syndromes (ERN-GENTURIS), i3s - Instituto de Investigação e Inovação em Saúde, University of Porto); PubMed 28688938 (cited by Labcorp Genetics (formerly Invitae), Labcorp); PubMed 18788075 (cited by Labcorp Genetics (formerly Invitae), Labcorp); PubMed 15235021 (cited by Labcorp Genetics (formerly Invitae), Labcorp); PubMed 20373070 (cited by Labcorp Genetics (formerly Invitae), Labcorp).